The following is an entry in ClinVar:

ClinVar aggregate classification (germline): Uncertain significance (1 of 4 stars; one submission).

Conditions:
Dilated cardiomyopathy 1AA (CMD1AA). Also called: CARDIOMYOPATHY, DILATED, 1AA, WITH OR WITHOUT LEFT VENTRICULAR NONCOMPACTION; CARDIOMYOPATHY, FAMILIAL HYPERTROPHIC, 23, WITH OR WITHOUT LEFT VENTRICULAR NONCOMPACTION; Cardiomyopathy, dilated, 1AA, with or without LVNC. Identifiers: Orphanet 154, MedGen C2677338, MONDO:0012808, OMIM 612158.
Primary familial hypertrophic cardiomyopathy (HCM). Identifiers: Orphanet 99739, MedGen C0949658, MeSH D024741, MONDO:0024573. Inheritance: Various modes of inheritance.

gnomAD v4.1: 2 of 1,613,904 alleles (0.00012%); highest among the groups gnomAD compares: African/African-American, 0.0013%; no homozygotes.

Submission:

Labcorp Genetics (formerly Invitae), Labcorp
Classification: Uncertain significance for Primary familial hypertrophic cardiomyopathy; Dilated cardiomyopathy 1AA. Last evaluated: 2024-03-14. Review status: criteria provided, single submitter. Criteria: Invitae Variant Classification Sherloc (09022015). Collection method: clinical testing. Allele origin: germline.
Comment: This sequence change replaces alanine, which is neutral and non-polar, with valine, which is neutral and non-polar, at codon 780 of the ACTN2 protein (p.Ala780Val). This variant is not present in population databases (gnomAD no frequency). This variant has not been reported in the literature in individuals affected with ACTN2-related conditions. Advanced modeling of protein sequence and biophysical properties (such as structural, functional, and spatial information, amino acid conservation, physicochemical variation, residue mobility, and thermodynamic stability) performed at Invitae indicates that this missense variant is expected to disrupt ACTN2 protein function with a positive predictive value of 95%. In summary, the available evidence is currently insufficient to determine the role of this variant in disease. Therefore, it has been classified as a Variant of Uncertain Significance.

NM_001103.4(ACTN2):c.2339C>T (p.Ala780Val)

Gene: ACTN2 (actinin alpha 2; plus strand). Cytogenetic location: 1q43.
Variant type: single nucleotide variant.
Coding change: c.2339C>T on transcript NM_001103.4 (MANE Select); coding-DNA position 2339, C replaced by T.
Protein change: p.Ala780Val; replaces alanine 780 with valine.
Molecular consequence: missense variant. On other transcripts: non-coding transcript variant (1).
Genome position (GRCh38, 1-based): chr1:236,759,761, C>T. VCF-style: chr1-236759761-C-T. GRCh37 (hg19) VCF-style: chr1-236923061-C-T.
Other names: c.2339C>T, p.Ala780Val (NM_001278343.2); short protein forms A780V.
Identifiers: ClinVar variation 3753590 (VCV003753590.2).